The following is an entry in ClinVar:

NM_000171.4(GLRA1):c.536C>A (p.Thr179Lys)

Gene: GLRA1 (glycine receptor alpha 1; minus strand). Cytogenetic location: 5q33.1.
Variant type: single nucleotide variant.
Coding change: c.536C>A on transcript NM_000171.4 (MANE Select); coding-DNA position 536, C replaced by A.
Protein change: p.Thr179Lys; replaces threonine 179 with lysine.
Molecular consequence: missense variant.
Genome position (GRCh38, 1-based): chr5:151,856,324, G>T on the plus strand (C>A on the coding strand, the complement: GLRA1 is on the minus strand). VCF-style: chr5-151856324-G-T. GRCh37 (hg19) VCF-style: chr5-151235885-G-T.
Other names: c.536C>A, p.Thr179Lys (NM_001146040.2); c.287C>A, p.Thr96Lys (NM_001292000.2); short protein forms T179K, T96K.
Identifiers: ClinVar variation 2632588 (VCV002632588.5), dbSNP rs372452903, ClinGen allele CA361840507.
Genomic context (GRCh38, chr5:151,856,324, plus strand): 5'-CCTGGTTCTTTCTAGAGGACTCATGCAAGACACTCACAGCTTTCCAGTTGCATGATACAT[G>T]TCTGGACATCCATGGGGAAATTCTTCAAGTCCATGGGGCAGGCCAGTGTCAGGGTGATTC-3'
Protein context (NP_000162.2, residues 169-189): DLKNFPMDVQ[Thr179Lys]CIMQLESFGY

ClinVar aggregate classification (germline): Uncertain significance. Review status: criteria provided, multiple submitters, no conflicts (2 of 4 stars). 2 submissions from 2 submitters: Uncertain significance (2). Last evaluated 2025-02-07.

Conditions:
Hereditary hyperekplexia. Identifiers: Orphanet 3197, MedGen C4084968, MONDO:0021022.
GLRA1-related disorder. Also called: GLRA1-related condition.

Submissions (2):

PreventionGenetics, part of Exact Sciences
Classification: Uncertain significance for GLRA1-related condition. Last evaluated: 2025-02-07. Review status: criteria provided, single submitter. Criteria: ACMG Guidelines, 2015. Collection method: clinical testing. Allele origin: germline.
Comment: The GLRA1 c.536C>A variant is predicted to result in the amino acid substitution p.Thr179Lys. To our knowledge, this variant has not been reported in the literature or in a large population database, indicating this variant is rare. At this time, the clinical significance of this variant is uncertain due to the absence of conclusive functional and genetic evidence.

Labcorp Genetics (formerly Invitae), Labcorp
Classification: Uncertain significance for Hereditary hyperekplexia. Last evaluated: 2023-04-12. Review status: criteria provided, single submitter. Criteria: Invitae Variant Classification Sherloc (09022015). Collection method: clinical testing. Allele origin: germline.
Comment: In summary, the available evidence is currently insufficient to determine the role of this variant in disease. Therefore, it has been classified as a Variant of Uncertain Significance. Advanced modeling of protein sequence and biophysical properties (such as structural, functional, and spatial information, amino acid conservation, physicochemical variation, residue mobility, and thermodynamic stability) performed at Invitae indicates that this missense variant is not expected to disrupt GLRA1 protein function. This variant has not been reported in the literature in individuals affected with GLRA1-related conditions. This variant is not present in population databases (gnomAD no frequency). This sequence change replaces threonine, which is neutral and polar, with lysine, which is basic and polar, at codon 179 of the GLRA1 protein (p.Thr179Lys).